The following is an entry in ClinVar:

NM_000944.5(PPP3CA):c.1255A>T (p.Ser419Cys)

Gene: PPP3CA (protein phosphatase 3 catalytic subunit alpha; minus strand). Cytogenetic location: 4q24.
Variant type: single nucleotide variant.
Coding change: c.1255A>T on transcript NM_000944.5 (MANE Select); coding-DNA position 1255, A replaced by T.
Protein change: p.Ser419Cys; replaces serine 419 with cysteine.
Molecular consequence: missense variant.
Genome position (GRCh38, 1-based): chr4:101,032,351, T>A on the plus strand (A>T on the coding strand, the complement: PPP3CA is on the minus strand). VCF-style: chr4-101032351-T-A. GRCh37 (hg19) VCF-style: chr4-101953508-T-A.
Other names: c.1255A>T, p.Ser419Cys (NM_001130691.2); c.1129A>T, p.Ser377Cys (NM_001130692.2); short protein forms S419C, S377C.
Identifiers: ClinVar variation 4695231 (VCV004695231.1).

ClinVar aggregate classification (germline): Uncertain significance (1 of 4 stars; one submission).

gnomAD v4.1: 6 of 1,613,044 alleles (0.00037%); highest among the groups gnomAD compares: South Asian, 0.0011%; no homozygotes.

Submission:

Labcorp Genetics (formerly Invitae), Labcorp
Classification: Uncertain significance. Last evaluated: 2025-11-17. Review status: criteria provided, single submitter. Criteria: Invitae Variant Classification Sherloc (09022015). Collection method: clinical testing. Allele origin: germline.
Comment: This sequence change replaces serine, which is neutral and polar, with cysteine, which is neutral and slightly polar, at codon 419 of the PPP3CA protein (p.Ser419Cys). This variant is present in population databases (rs769247405, gnomAD 0.003%). This variant has not been reported in the literature in individuals affected with PPP3CA-related conditions. Invitae Evidence Modeling of protein sequence and biophysical properties (such as structural, functional, and spatial information, amino acid conservation, physicochemical variation, residue mobility, and thermodynamic stability) indicates that this missense variant is not expected to disrupt PPP3CA protein function with a negative predictive value of 80%. In summary, the available evidence is currently insufficient to determine the role of this variant in disease. Therefore, it has been classified as a Variant of Uncertain Significance.